The following is an entry in ClinVar:

ClinVar aggregate classification (germline): Likely pathogenic (1 of 4 stars; one submission).

Submission:

Mayo Clinic Laboratories, Mayo Clinic
Classification: Likely pathogenic. Last evaluated: 2025-01-17. Review status: criteria provided, single submitter. Criteria: ACMG Guidelines, 2015. Collection method: clinical testing. Allele origin: germline. Observed: 1 variant allele.
Comment: PVS1

NM_001365276.2(TNXB):c.12167del (p.Leu4056fs)

Genes: TNXB (tenascin XB; minus strand), LOC106780803 (tenascin XB recombination region; plus strand). Cytogenetic location: 6p21.33.
Variant type: Deletion.
Coding change: c.12167del on transcript NM_001365276.2 (MANE Select); coding-DNA position 12167, one base deleted (T; older notation c.12167delT).
Protein change: p.Leu4056fs; shifts the reading frame from leucine 4056.
Molecular consequence: frameshift variant.
Genome position (GRCh38, 1-based): chr6:32,042,498, A deleted on the plus strand (T on the coding strand, the reverse complement: TNXB is on the minus strand). VCF-style (leftmost placement, unchanged base first): chr6-32042497-CA-C. GRCh37 (hg19) VCF-style: chr6-32010274-CA-C.
Other names: p.Leu4054Argfs*55; c.12161del, p.Leu4054fs (NM_019105.8); c.1454del, p.Leu485fs (NM_032470.4); short protein forms L4054fs, L4056fs, L485fs.
Identifiers: ClinVar variation 2682923 (VCV002682923.2), dbSNP rs2483359338, ClinGen allele CA2697546652.